The following is an entry in ClinVar:

NM_012233.3(RAB3GAP1):c.2660G>T (p.Arg887Ile)

Gene: RAB3GAP1 (RAB3 GTPase activating protein catalytic subunit 1; plus strand). Cytogenetic location: 2q21.3.
Variant type: single nucleotide variant.
Coding change: c.2660G>T on transcript NM_012233.3 (MANE Select); coding-DNA position 2660, G replaced by T.
Protein change: p.Arg887Ile; replaces arginine 887 with isoleucine.
Molecular consequence: missense variant.
Genome position (GRCh38, 1-based): chr2:135,164,647, G>T. VCF-style: chr2-135164647-G-T. GRCh37 (hg19) VCF-style: chr2-135922217-G-T.
Other names: c.2660G>T, p.Arg887Ile (NM_001172435.2); short protein forms R887I.
Identifiers: ClinVar variation 2118924 (VCV002118924.4), dbSNP rs2468283521, ClinGen allele CA348586776.
Genomic context (GRCh38, chr2:135,164,647, plus strand): 5'-CTCCTAGGTTTGTGAGTTGCCTGCTGGAGCAGCCTGAAGTGTTAGTCACCGGTGCAGGAA[G>T]AGGACATGCTGGCAGGATCATTCACAAGCTGTTTGTGAATGCCCAGAGGGTATGTGAGAG-3'
Protein context (NP_036365.1, residues 877-897): QPEVLVTGAG[Arg887Ile]GHAGRIIHKL

ClinVar aggregate classification (germline): Uncertain significance (1 of 4 stars; one submission).

Submission:

Labcorp Genetics (formerly Invitae), Labcorp
Classification: Uncertain significance. Last evaluated: 2022-04-10. Review status: criteria provided, single submitter. Criteria: Invitae Variant Classification Sherloc (09022015). Collection method: clinical testing. Allele origin: germline.
Comment: This sequence change replaces arginine, which is basic and polar, with isoleucine, which is neutral and non-polar, at codon 887 of the RAB3GAP1 protein (p.Arg887Ile). This variant is not present in population databases (gnomAD no frequency). This variant has not been reported in the literature in individuals affected with RAB3GAP1-related conditions. Algorithms developed to predict the effect of missense changes on protein structure and function are either unavailable or do not agree on the potential impact of this missense change (SIFT: "Tolerated"; PolyPhen-2: "Possibly Damaging"; Align-GVGD: "Class C0"). In summary, the available evidence is currently insufficient to determine the role of this variant in disease. Therefore, it has been classified as a Variant of Uncertain Significance.